The following is an entry in ClinVar:

NM_001134363.3(RBM20):c.1177C>A (p.Pro393Thr)

Gene: RBM20 (RNA binding motif protein 20; plus strand). Cytogenetic location: 10q25.2.
Variant type: single nucleotide variant.
Coding change: c.1177C>A on transcript NM_001134363.3 (MANE Select); coding-DNA position 1177, C replaced by A.
Protein change: p.Pro393Thr; replaces proline 393 with threonine.
Molecular consequence: missense variant.
Genome position (GRCh38, 1-based): chr10:110,781,786, C>A. VCF-style: chr10-110781786-C-A. GRCh37 (hg19) VCF-style: chr10-112541544-C-A.
Other names: short protein forms P393T.
Identifiers: ClinVar variation 2663286 (VCV002663286.1), dbSNP rs563411472, ClinGen allele CA213235128.
Genomic context (GRCh38, chr10:110,781,786, plus strand): 5'-CAGGGTTTTATCGGTGCTGGGCGGAGGGCCAAGGAGGACCAGGCGTTGCTATCTGTGCGG[C>A]CCCTGCAGGCTCATGAGCTGAACGACTTTCACGGTGTGGCCCCCCTCCACTTGCCGCATA-3'
Protein context (NP_001127835.2, residues 383-403): KEDQALLSVR[Pro393Thr]LQAHELNDFH

ClinVar aggregate classification (germline): Uncertain significance (1 of 4 stars; one submission).

Allele frequency attached by ClinVar (database versions not stated): gnomAD 0.00001; 1000 Genomes Project 30x 0.00016; 1000 Genomes Project 0.00020.

Submission:

GeneDx
Classification: Uncertain significance. Last evaluated: 2023-04-14. Review status: criteria provided, single submitter. Criteria: GeneDx Variant Classification Process June 2021. Collection method: clinical testing. Allele origin: germline. Affected: yes.
Comment: Has not been previously published as pathogenic or benign to our knowledge; Not observed at significant frequency in large population cohorts (gnomAD); In silico analysis supports that this missense variant does not alter protein structure/function